The following is an entry in ClinVar:

ClinVar aggregate classification (germline): Uncertain significance (1 of 4 stars; one submission).

Submission:

Labcorp Genetics (formerly Invitae), Labcorp
Classification: Uncertain significance. Last evaluated: 2024-03-18. Review status: criteria provided, single submitter. Criteria: Invitae Variant Classification Sherloc (09022015). Collection method: clinical testing. Allele origin: germline.
Comment: This sequence change replaces threonine, which is neutral and polar, with serine, which is neutral and polar, at codon 1001 of the CLTC protein (p.Thr1001Ser). This variant is not present in population databases (gnomAD no frequency). This variant has not been reported in the literature in individuals affected with CLTC-related conditions. Advanced modeling of protein sequence and biophysical properties (such as structural, functional, and spatial information, amino acid conservation, physicochemical variation, residue mobility, and thermodynamic stability) performed at Invitae indicates that this missense variant is not expected to disrupt CLTC protein function with a negative predictive value of 80%. In summary, the available evidence is currently insufficient to determine the role of this variant in disease. Therefore, it has been classified as a Variant of Uncertain Significance.

NM_004859.4(CLTC):c.2990C>G (p.Thr997Ser)

Gene: CLTC (clathrin heavy chain; plus strand). Cytogenetic location: 17q23.1.
Variant type: single nucleotide variant.
Coding change: c.2990C>G on transcript NM_004859.4 (MANE Select); coding-DNA position 2990, C replaced by G.
Protein change: p.Thr997Ser; replaces threonine 997 with serine.
Molecular consequence: missense variant.
Genome position (GRCh38, 1-based): chr17:59,680,982, C>G. VCF-style: chr17-59680982-C-G. GRCh37 (hg19) VCF-style: chr17-57758343-C-G.
Other names: c.3002C>G, p.Thr1001Ser (NM_001288653.2); short protein forms T997S, T1001S.
Identifiers: ClinVar variation 3644073 (VCV003644073.2).